The following is an entry in ClinVar:

NM_003872.3(NRP2):c.1954G>A (p.Glu652Lys)

Genes: NRP2 (neuropilin 2; plus strand), LOC126806481 (CDK7 strongly-dependent group 2 enhancer GRCh37_chr2:206617009-206618208; plus strand). Cytogenetic location: 2q33.3.
Variant type: single nucleotide variant.
Coding change: c.1954G>A on transcript NM_003872.3 (MANE Select); coding-DNA position 1954, G replaced by A.
Protein change: p.Glu652Lys; replaces glutamic acid 652 with lysine.
Molecular consequence: missense variant.
Genome position (GRCh38, 1-based): chr2:205,752,885, G>A. VCF-style: chr2-205752885-G-A. GRCh37 (hg19) VCF-style: chr2-206617609-G-A.
Other names: c.1954G>A, p.Glu652Lys (NM_018534.4, NM_201266.2, NM_201267.2 and 1 more transcripts); short protein forms E652K.
Identifiers: ClinVar variation 3358083 (VCV003358083.2).

ClinVar aggregate classification (germline): Uncertain significance (1 of 4 stars; one submission).

Conditions:
NRP2-related disorder. Also called: NRP2-related condition.

gnomAD v4.1: 42 of 1,613,994 alleles (0.0026%); highest among the groups gnomAD compares: East Asian, 0.0045%; no homozygotes.

Submission:

PreventionGenetics, part of Exact Sciences
Classification: Uncertain significance for NRP2-related condition. Last evaluated: 2025-07-17. Review status: criteria provided, single submitter. Criteria: ACMG Guidelines, 2015. Collection method: clinical testing. Allele origin: germline.
Comment: The NRP2 c.1954G>A variant is predicted to result in the amino acid substitution p.Glu652Lys. To our knowledge, this variant has not been reported in the literature. This variant is reported in 0.010% of alleles in individuals of East Asian descent in gnomAD. At this time, the clinical significance of this variant is uncertain due to the absence of conclusive functional and genetic evidence.